The following is an entry in ClinVar:

NM_001384900.1(SEMA3D):c.1337A>T (p.Asp446Val)

Gene: SEMA3D (semaphorin 3D; minus strand). Cytogenetic location: 7q21.11.
Variant type: single nucleotide variant.
Coding change: c.1337A>T on transcript NM_001384900.1 (MANE Select); coding-DNA position 1337, A replaced by T.
Protein change: p.Asp446Val; replaces aspartic acid 446 with valine.
Molecular consequence: missense variant.
Genome position (GRCh38, 1-based): chr7:85,022,468, T>A on the plus strand (A>T on the coding strand, the complement: SEMA3D is on the minus strand). VCF-style: chr7-85022468-T-A. GRCh37 (hg19) VCF-style: chr7-84651784-T-A.
Other names: c.1337A>T, p.Asp446Val (NM_001384901.1, NM_001384902.1, NM_001384903.1 and 1 more transcripts); short protein forms D446V.
Identifiers: ClinVar variation 4999155 (VCV004999155.1).

ClinVar aggregate classification (germline): Uncertain significance (1 of 4 stars; one submission).

Conditions:
SEMA3D-related disorder. Also called: SEMA3D-related condition.

gnomAD v4.1: 2 of 1,612,626 alleles (0.00012%); highest among the groups gnomAD compares: Admixed American, 0.0017%; no homozygotes.

Submission:

PreventionGenetics, part of Exact Sciences
Classification: Uncertain significance for SEMA3D-related condition. Last evaluated: 2026-03-04. Review status: criteria provided, single submitter. Criteria: ACMG Guidelines, 2015. Collection method: clinical testing. Allele origin: germline.
Comment: The SEMA3D c.1337A>T variant is predicted to result in the amino acid substitution p.Asp446Val. To our knowledge, this variant has not been reported in the literature. This variant is reported in 0.0029% of alleles in individuals of Latino descent in gnomAD. At this time, the clinical significance of this variant is uncertain due to the absence of conclusive functional and genetic evidence.